The following is an entry in ClinVar:

NM_001379110.1(SLC9A6):c.212C>T (p.Pro71Leu)

Gene: SLC9A6 (solute carrier family 9 member A6; plus strand). Cytogenetic location: Xq26.3.
Variant type: single nucleotide variant.
Coding change: c.212C>T on transcript NM_001379110.1 (MANE Select); coding-DNA position 212, C replaced by T.
Protein change: p.Pro71Leu; replaces proline 71 with leucine.
Molecular consequence: missense variant.
Genome position (GRCh38, 1-based): chrX:135,994,828, C>T. VCF-style: chrX-135994828-C-T. GRCh37 (hg19) VCF-style: chrX-135076987-C-T.
Other names: c.212C>T, p.Pro71Leu (NM_001330652.2, NM_001177651.2); c.368C>T, p.Pro123Leu (NM_006359.3, NM_001042537.2); short protein forms P123L, P71L.
Identifiers: ClinVar variation 1054385 (VCV001054385.15), dbSNP rs782469016, ClinGen allele CA10524641.
Genomic context (GRCh38, chrX:135,994,828, plus strand): 5'-TGTTGTTCTTTTTTCCAGGTCTTTTGGTGGGCCTTGTGCTTCGGTATGGCATTCATGTTC[C>T]GAGTGATGTAAATAATGTGACCCTGAGCTGTGAAGTGCAGTCAAGTCCAACTACCTTACT-3'
Protein context (NP_001366039.1, residues 61-81): GLVLRYGIHV[Pro71Leu]SDVNNVTLSC

ClinVar aggregate classification (germline): Conflicting classifications of pathogenicity. Review status: criteria provided, conflicting classifications (1 of 4 stars). 2 submissions from 2 submitters: Uncertain significance (1); Likely benign (1). Last evaluated 2025-11-01.

Conditions:
Christianson syndrome (MRXSCH). Also called: INTELLECTUAL DEVELOPMENTAL DISORDER, X-LINKED, SYNDROMIC, CHRISTIANSON TYPE; X-linked mental retardation, syndromic, Christianson type; SLC9A6-Related Syndromic Mental Retardation. Identifiers: Orphanet 85278, MedGen C2678194, MONDO:0010278, OMIM 300243.

Allele frequency attached by ClinVar (database versions not stated): ExAC 0.00001; gnomAD 0.00001; gnomAD exomes 0.00001 and 0.00002; TOPMed 0.00004.
gnomAD v4.1: 15 of 1,209,288 alleles (0.0012%); highest among the groups gnomAD compares: Admixed American, 0.0088%; no homozygotes.

Submissions (2):

CeGaT Center for Human Genetics Tuebingen
Classification: Likely benign. Last evaluated: 2025-11-01. Review status: criteria provided, single submitter. Criteria: CeGaT Center For Human Genetics Tuebingen Variant Classification Criteria Version 2. Collection method: clinical testing. Allele origin: germline. Affected: yes. Observed: 1 variant allele.
Comment: SLC9A6: BS2

Labcorp Genetics (formerly Invitae), Labcorp
Classification: Uncertain significance for Christianson syndrome. Last evaluated: 2022-09-22. Review status: criteria provided, single submitter. Criteria: Invitae Variant Classification Sherloc (09022015). Collection method: clinical testing. Allele origin: germline.
Comment: This sequence change replaces proline, which is neutral and non-polar, with leucine, which is neutral and non-polar, at codon 123 of the SLC9A6 protein (p.Pro123Leu). This variant is present in population databases (rs782469016, gnomAD 0.01%), including at least one homozygous and/or hemizygous individual. This variant has not been reported in the literature in individuals affected with SLC9A6-related conditions. ClinVar contains an entry for this variant (Variation ID: 1054385). Advanced modeling of protein sequence and biophysical properties (such as structural, functional, and spatial information, amino acid conservation, physicochemical variation, residue mobility, and thermodynamic stability) performed at Invitae indicates that this missense variant is not expected to disrupt SLC9A6 protein function. In summary, the available evidence is currently insufficient to determine the role of this variant in disease. Therefore, it has been classified as a Variant of Uncertain Significance.